The following is an entry in ClinVar:

NM_002692.4(POLE2):c.1238C>T (p.Thr413Ile)

Gene: POLE2 (DNA polymerase epsilon 2, accessory subunit; minus strand). Cytogenetic location: 14q21.3.
Variant type: single nucleotide variant.
Coding change: c.1238C>T on transcript NM_002692.4 (MANE Select); coding-DNA position 1238, C replaced by T.
Protein change: p.Thr413Ile; replaces threonine 413 with isoleucine.
Molecular consequence: missense variant.
Genome position (GRCh38, 1-based): chr14:49,651,351, G>A on the plus strand (C>T on the coding strand, the complement: POLE2 is on the minus strand). VCF-style: chr14-49651351-G-A. GRCh37 (hg19) VCF-style: chr14-50118069-G-A.
Other names: c.1160C>T, p.Thr387Ile (NM_001197330.2); c.1238C>T, p.Thr413Ile (NM_001197331.3); c.1235C>T, p.Thr412Ile (NM_001348384.2); c.1007C>T, p.Thr336Ile (NM_001348385.2); short protein forms T336I, T387I, T412I, T413I.
Identifiers: ClinVar variation 2427865 (VCV002427865.6), dbSNP rs534333486, ClinGen allele CA7173332.

ClinVar aggregate classification (germline): Uncertain significance (1 of 4 stars; one submission).

Allele frequency attached by ClinVar (database versions not stated): TOPMed 0.00002; gnomAD exomes 0.00003; gnomAD 0.00006; ExAC 0.00010; 1000 Genomes Project 30x 0.00016; 1000 Genomes Project 0.00020.
gnomAD v4.1: 49 of 1,570,604 alleles (0.0031%); highest among the groups gnomAD compares: East Asian, 0.1%; no homozygotes.

Submission:

Labcorp Genetics (formerly Invitae), Labcorp
Classification: Uncertain significance. Last evaluated: 2026-01-06. Review status: criteria provided, single submitter. Criteria: Invitae Variant Classification Sherloc (09022015). Collection method: clinical testing. Allele origin: germline.
Comment: This sequence change replaces threonine, which is neutral and polar, with isoleucine, which is neutral and non-polar, at codon 413 of the POLE2 protein (p.Thr413Ile). This variant is present in population databases (rs534333486, gnomAD 0.2%), and has an allele count higher than expected for a pathogenic variant. This variant has not been reported in the literature in individuals affected with POLE2-related conditions. ClinVar contains an entry for this variant (Variation ID: 2427865). An algorithm developed to predict the effect of missense changes on protein structure and function outputs the following: PolyPhen-2: "Benign". The isoleucine amino acid residue is found in multiple mammalian species, which suggests that this missense change does not adversely affect protein function. In summary, the available evidence is currently insufficient to determine the role of this variant in disease. Therefore, it has been classified as a Variant of Uncertain Significance.